The following is an entry in ClinVar:

ClinVar aggregate classification (germline): Uncertain significance (1 of 4 stars; one submission).

Allele frequency attached by ClinVar (database versions not stated): gnomAD exomes below 0.00001.
gnomAD v4.1: 2 of 1,613,256 alleles (0.00012%); highest among the groups gnomAD compares: Non-Finnish European, 0.00017%; no homozygotes.

Submission:

CeGaT Center for Human Genetics Tuebingen
Classification: Uncertain significance. Last evaluated: 2023-02-01. Review status: criteria provided, single submitter. Criteria: CeGaT Center For Human Genetics Tuebingen Variant Classification Criteria Version 2. Collection method: clinical testing. Allele origin: germline. Affected: yes. Observed: 1 variant allele.
Comment: TRMU: PM2

NM_018006.5(TRMU):c.872T>C (p.Val291Ala)

Gene: TRMU (tRNA mitochondrial 2-thiouridylase; plus strand). Cytogenetic location: 22q13.31.
Variant type: single nucleotide variant.
Coding change: c.872T>C on transcript NM_018006.5 (MANE Select); coding-DNA position 872, T replaced by C.
Protein change: p.Val291Ala; replaces valine 291 with alanine.
Molecular consequence: missense variant. On other transcripts: non-coding transcript variant (2).
Genome position (GRCh38, 1-based): chr22:46,353,866, T>C. VCF-style: chr22-46353866-T-C. GRCh37 (hg19) VCF-style: chr22-46749763-T-C.
Other names: c.*316T>C (NM_001008568.2); c.*410T>C (NM_001008570.2); c.530T>C, p.Val177Ala (NM_001282782.2); c.452T>C, p.Val151Ala (NM_001282783.2, NM_001282784.2); c.872T>C, p.Val291Ala (NM_001282785.2); short protein forms V151A, V177A, V291A.
Identifiers: ClinVar variation 2653305 (VCV002653305.24), dbSNP rs1466804790, ClinGen allele CA411947390.